The following is an entry in ClinVar:

ClinVar aggregate classification (germline): Likely benign (0 of 4 stars; one submission).

Conditions:
APC2-related disorder. Also called: APC2-related condition; APC2-Related Disorders.

Submission:

PreventionGenetics, part of Exact Sciences
Classification: Likely benign for APC2-related condition. Last evaluated: 2020-12-09. Review status: no assertion criteria provided. Collection method: clinical testing. Allele origin: germline.
Comment: This variant is classified as likely benign based on ACMG/AMP sequence variant interpretation guidelines (Richards et al. 2015 PMID: 25741868, with internal and published modifications).

NM_005883.3(APC2):c.5841A>G (p.Ala1947=)

Genes: APC2 (APC regulator of Wnt signaling pathway 2; plus strand), LOC130062956 (ATAC-STARR-seq lymphoblastoid silent region 9718; plus strand). Cytogenetic location: 19p13.3.
Variant type: single nucleotide variant.
Coding change: c.5841A>G on transcript NM_005883.3 (MANE Select); coding-DNA position 5841, A replaced by G.
Protein change: p.Ala1947=; no amino-acid change (alanine 1947 retained).
Molecular consequence: synonymous variant.
Genome position (GRCh38, 1-based): chr19:1,469,142, A>G. VCF-style: chr19-1469142-A-G. GRCh37 (hg19) VCF-style: chr19-1469141-A-G.
Other names: c.5838A>G, p.Ala1946= (NM_001351273.1).
Identifiers: ClinVar variation 3030049 (VCV003030049.2), dbSNP rs2512543507, ClinGen allele CA504898686.